The following is an entry in ClinVar:

ClinVar aggregate classification (germline): Uncertain significance. Review status: criteria provided, multiple submitters, no conflicts (2 of 4 stars). 3 submissions from 3 submitters: Uncertain significance (3). Last evaluated 2023-08-21.

Conditions:
Spastic paraplegia. Identifiers: MedGen C0037772, HP:0001258.
Inborn genetic diseases. Identifiers: MedGen C0950123, MeSH D030342.
Stuttering, familial persistent, 1. Also called: STAMMERING. Identifiers: MedGen C3489627, MONDO:0008483, OMIM 184450.

Allele frequency attached by ClinVar (database versions not stated): ExAC 0.00004; gnomAD 0.00006; gnomAD exomes 0.00006 and 0.00007; ESP Exome Variant Server 0.00008; TOPMed 0.00011.
gnomAD v4.1: 110 of 1,609,642 alleles (0.0068%); highest among the groups gnomAD compares: Admixed American, 0.015%; no homozygotes.

Submissions (3):

Ambry Genetics
Classification: Uncertain significance for Inborn genetic diseases. Last evaluated: 2023-08-21. Review status: criteria provided, single submitter. Criteria: Ambry Variant Classification Scheme 2023. Collection method: clinical testing. Allele origin: germline.

Labcorp Genetics (formerly Invitae), Labcorp
Classification: Uncertain significance for Spastic paraplegia. Last evaluated: 2021-11-11. Review status: criteria provided, single submitter. Criteria: Invitae Variant Classification Sherloc (09022015). Collection method: clinical testing. Allele origin: germline.
Comment: This sequence change replaces aspartic acid, which is acidic and polar, with glycine, which is neutral and non-polar, at codon 938 of the AP4E1 protein (p.Asp938Gly). This variant is present in population databases (rs372620158, gnomAD 0.01%). This variant has not been reported in the literature in individuals affected with AP4E1-related conditions. ClinVar contains an entry for this variant (Variation ID: 931304). Algorithms developed to predict the effect of missense changes on protein structure and function are either unavailable or do not agree on the potential impact of this missense change (SIFT: "Deleterious"; PolyPhen-2: "Probably Damaging"; Align-GVGD: "Class C0"). In summary, the available evidence is currently insufficient to determine the role of this variant in disease. Therefore, it has been classified as a Variant of Uncertain Significance.

Centre for Mendelian Genomics, University Medical Centre Ljubljana
Classification: Uncertain significance for Stuttering, familial persistent, 1. Last evaluated: 2019-03-08. Review status: criteria provided, single submitter. Criteria: ACMG Guidelines, 2015. Collection method: clinical testing. Allele origin: unknown. Affected: yes.
Comment: This variant was classified as: Uncertain significance. The available evidence on this variant's pathogenicity is insufficient or conflicting. The following ACMG criteria were applied in classifying this variant: PM2,PP3.

NM_007347.5(AP4E1):c.2813A>G (p.Asp938Gly)

Gene: AP4E1 (adaptor related protein complex 4 subunit epsilon 1; plus strand). Cytogenetic location: 15q21.2.
Variant type: single nucleotide variant.
Coding change: c.2813A>G on transcript NM_007347.5 (MANE Select); coding-DNA position 2813, A replaced by G.
Protein change: p.Asp938Gly; replaces aspartic acid 938 with glycine.
Molecular consequence: missense variant.
Genome position (GRCh38, 1-based): chr15:50,997,792, A>G. VCF-style: chr15-50997792-A-G. GRCh37 (hg19) VCF-style: chr15-51289989-A-G.
Other names: c.2588A>G, p.Asp863Gly (NM_001252127.2); c.2813A>G (NM_007347.3); short protein forms D863G, D938G.
Identifiers: ClinVar variation 931304 (VCV000931304.7), dbSNP rs372620158, ClinGen allele CA7559380.